The following is an entry in ClinVar:

ClinVar aggregate classification (germline): Uncertain significance (1 of 4 stars; one submission).

Allele frequency attached by ClinVar (database versions not stated): ExAC 0.00001; gnomAD 0.00002; TOPMed 0.00002.
gnomAD v4.1: 31 of 1,614,098 alleles (0.0019%); highest among the groups gnomAD compares: Non-Finnish European, 0.0025%; no homozygotes.

Submission:

Labcorp Genetics (formerly Invitae), Labcorp
Classification: Uncertain significance. Last evaluated: 2022-03-03. Review status: criteria provided, single submitter. Criteria: Invitae Variant Classification Sherloc (09022015). Collection method: clinical testing. Allele origin: germline.
Comment: In summary, the available evidence is currently insufficient to determine the role of this variant in disease. Therefore, it has been classified as a Variant of Uncertain Significance. Algorithms developed to predict the effect of missense changes on protein structure and function are either unavailable or do not agree on the potential impact of this missense change (SIFT: "Deleterious"; PolyPhen-2: "Probably Damaging"; Align-GVGD: "Class C15"). This variant has not been reported in the literature in individuals affected with CCBE1-related conditions. This variant is present in population databases (rs748817434, gnomAD 0.003%). This sequence change replaces cysteine, which is neutral and slightly polar, with tyrosine, which is neutral and polar, at codon 199 of the CCBE1 protein (p.Cys199Tyr).

NM_133459.4(CCBE1):c.596G>A (p.Cys199Tyr)

Gene: CCBE1 (collagen and calcium binding EGF domains 1; minus strand). Cytogenetic location: 18q21.32.
Variant type: single nucleotide variant.
Coding change: c.596G>A on transcript NM_133459.4 (MANE Select); coding-DNA position 596, G replaced by A.
Protein change: p.Cys199Tyr; replaces cysteine 199 with tyrosine.
Molecular consequence: missense variant.
Genome position (GRCh38, 1-based): chr18:59,454,909, C>T on the plus strand (G>A on the coding strand, the complement: CCBE1 is on the minus strand). VCF-style: chr18-59454909-C-T. GRCh37 (hg19) VCF-style: chr18-57122141-C-T.
Other names: short protein forms C199Y.
Identifiers: ClinVar variation 1909143 (VCV001909143.5), dbSNP rs748817434, ClinGen allele CA8980409.